The following is an entry in ClinVar:

NM_001349253.2(SCN11A):c.3594CTT[1] (p.Phe1200del)

Genes: SCN11A (sodium voltage-gated channel alpha subunit 11; minus strand), LOC126806652 (CDK7 strongly-dependent group 2 enhancer GRCh37_chr3:38912374-38913573; plus strand). Cytogenetic location: 3p22.2.
Variant type: Microsatellite.
Coding change: c.3594CTT[1] on transcript NM_001349253.2 (MANE Select); one copy of the 3-base unit CTT starting at c.3594; the reference has two copies in a row; one copy, 3 bases deleted.
Protein change: p.Phe1200del; deletes phenylalanine 1200.
Molecular consequence: inframe deletion.
Genome position (GRCh38, 1-based): chr3:38,871,605-38,871,607, AAG deleted on the plus strand (CTT on the coding strand, the reverse complement: SCN11A is on the minus strand); deleting any 3 consecutive bases within chr3:38,871,605-38,871,610 gives the same sequence; the position shown is the placement nearest the transcript's 3' end. VCF-style (leftmost placement, unchanged base first): chr3-38871604-AAAG-A. GRCh37 (hg19) VCF-style: chr3-38913095-AAAG-A.
Other names: c.3594CTT[1], p.Phe1200del (NM_014139.3); c.3597_3599delCTT (NM_014139.2); short protein forms F1200del.
Identifiers: ClinVar variation 572538 (VCV000572538.6), dbSNP rs752609562, ClinGen allele CA2321747.
Genomic context (GRCh38, chr3:38,871,604, plus strand): 5'-AATGATGGTATAATTTATAACTGAGTCTGTTCCATTAATGCATTTCCCAAATTTTCCAGA[AAAG>A]AAGTATACTCCCAGAATACAAAATACGAGCCAGAAAATGAGGCAGACAAGCAAAACATTC-3'

ClinVar aggregate classification (germline): Uncertain significance (1 of 4 stars; one submission).

Conditions:
Hereditary sensory and autonomic neuropathy type 7. Also called: HSAN VII; Neuropathy, hereditary sensory and autonomic, type VII. Identifiers: Orphanet 391397, MedGen C3809882, MONDO:0014244, OMIM 615548.
Familial episodic pain syndrome with predominantly lower limb involvement. Also called: Episodic pain syndrome, familial, 3. Identifiers: Orphanet 391384, Orphanet 391392, MedGen C3809899, MONDO:0014247, OMIM 615552.

Submission:

Labcorp Genetics (formerly Invitae), Labcorp
Classification: Uncertain significance for Familial episodic pain syndrome with predominantly lower limb involvement; Hereditary sensory and autonomic neuropathy type 7. Last evaluated: 2023-10-04. Review status: criteria provided, single submitter. Criteria: Invitae Variant Classification Sherloc (09022015). Collection method: clinical testing. Allele origin: germline.
Comment: This variant, c.3597_3599del, results in the deletion of 1 amino acid(s) of the SCN11A protein (p.Phe1200del), but otherwise preserves the integrity of the reading frame. This variant is present in population databases (rs752609562, gnomAD 0.002%). This variant has not been reported in the literature in individuals affected with SCN11A-related conditions. ClinVar contains an entry for this variant (Variation ID: 572538). Experimental studies and prediction algorithms are not available or were not evaluated, and the functional significance of this variant is currently unknown. In summary, the available evidence is currently insufficient to determine the role of this variant in disease. Therefore, it has been classified as a Variant of Uncertain Significance.